The following is an entry in ClinVar:

NM_015346.4(ZFYVE26):c.6704G>A (p.Gly2235Glu)

Gene: ZFYVE26 (zinc finger FYVE-type containing 26; minus strand). Cytogenetic location: 14q24.1.
Variant type: single nucleotide variant.
Coding change: c.6704G>A on transcript NM_015346.4 (MANE Select); coding-DNA position 6704, G replaced by A.
Protein change: p.Gly2235Glu; replaces glycine 2235 with glutamic acid.
Molecular consequence: missense variant.
Genome position (GRCh38, 1-based): chr14:67,756,030, C>T on the plus strand (G>A on the coding strand, the complement: ZFYVE26 is on the minus strand). VCF-style: chr14-67756030-C-T. GRCh37 (hg19) VCF-style: chr14-68222747-C-T.
Other names: p.Gly2235Glu; short protein forms G2235E.
Identifiers: ClinVar variation 4541868 (VCV004541868.1).

ClinVar aggregate classification (germline): Uncertain significance (1 of 4 stars; one submission).

gnomAD v4.1: 5 of 1,614,126 alleles (0.00031%); highest among the groups gnomAD compares: Non-Finnish European, 0.00042%; no homozygotes.

Submission:

Mayo Clinic Laboratories, Mayo Clinic
Classification: Uncertain significance. Last evaluated: 2025-01-30. Review status: criteria provided, single submitter. Criteria: ACMG Guidelines, 2015. Collection method: clinical testing. Allele origin: germline. Observed: 1 variant allele.
Comment: BP4, PM2_supporting